The following is an entry in ClinVar:

NM_001040716.2(PC):c.-228+9C>T

Gene: PC (pyruvate carboxylase; minus strand). Cytogenetic location: 11q13.2.
Variant type: single nucleotide variant.
Coding change: c.-228+9C>T on transcript NM_001040716.2 (MANE Select); 9 bases into the intron after 228 bases upstream of the start codon, C replaced by T.
Molecular consequence: intron variant.
Genome position (GRCh38, 1-based): chr11:66,958,313, G>A on the plus strand (C>T on the coding strand, the complement: PC is on the minus strand). VCF-style: chr11-66958313-G-A. GRCh37 (hg19) VCF-style: chr11-66725784-G-A.
Other names: c.-40+9C>T (NM_000920.4).
Identifiers: ClinVar variation 518003 (VCV000518003.1), dbSNP rs1555053361, ClinGen allele CA658797688.
Genomic context (GRCh38, chr11:66,958,313, plus strand): 5'-GCCGGCGCACGTCCACCCGCTCCGACCCGCCGCGGGAAGAGGACCGTGCGGAGCGCGGCG[G>A]ACACTCACCTCCTCGCCGTCGCCAGTCCTCGCCGCCGCCTCTACCGCTGCTGCCTCCACT-3'

ClinVar aggregate classification (germline): Likely benign (1 of 4 stars; one submission).

Submission:

GeneDx
Classification: Likely benign. Last evaluated: 2017-06-29. Review status: criteria provided, single submitter. Criteria: GeneDx Variant Classification (06012015). Collection method: clinical testing. Allele origin: germline. Affected: yes.
Comment: This variant is considered likely benign or benign based on one or more of the following criteria: it is a conservative change, it occurs at a poorly conserved position in the protein, it is predicted to be benign by multiple in silico algorithms, and/or has population frequency not consistent with disease.